The following is an entry in ClinVar:

NM_006734.4(HIVEP2):c.881A>G (p.Lys294Arg)

Gene: HIVEP2 (HIVEP zinc finger 2; minus strand). Cytogenetic location: 6q24.2.
Variant type: single nucleotide variant.
Coding change: c.881A>G on transcript NM_006734.4 (MANE Select); coding-DNA position 881, A replaced by G.
Protein change: p.Lys294Arg; replaces lysine 294 with arginine.
Molecular consequence: missense variant.
Genome position (GRCh38, 1-based): chr6:142,773,858, T>C on the plus strand (A>G on the coding strand, the complement: HIVEP2 is on the minus strand). VCF-style: chr6-142773858-T-C. GRCh37 (hg19) VCF-style: chr6-143094995-T-C.
Other names: short protein forms K294R.
Identifiers: ClinVar variation 3688180 (VCV003688180.2).

ClinVar aggregate classification (germline): Uncertain significance (1 of 4 stars; one submission).

gnomAD v4.1: 1 of 1,613,654 alleles (0.000062%); highest among the groups gnomAD compares: Non-Finnish European, 0.000085%; no homozygotes.

Submission:

Labcorp Genetics (formerly Invitae), Labcorp
Classification: Uncertain significance. Last evaluated: 2024-12-23. Review status: criteria provided, single submitter. Criteria: Invitae Variant Classification Sherloc (09022015). Collection method: clinical testing. Allele origin: germline.
Comment: This sequence change replaces lysine, which is basic and polar, with arginine, which is basic and polar, at codon 294 of the HIVEP2 protein (p.Lys294Arg). This variant is not present in population databases (gnomAD no frequency). This variant has not been reported in the literature in individuals affected with HIVEP2-related conditions. Invitae Evidence Modeling of protein sequence and biophysical properties (such as structural, functional, and spatial information, amino acid conservation, physicochemical variation, residue mobility, and thermodynamic stability) has been performed for this missense variant. However, the output from this modeling did not meet the statistical confidence thresholds required to predict the impact of this variant on HIVEP2 protein function. In summary, the available evidence is currently insufficient to determine the role of this variant in disease. Therefore, it has been classified as a Variant of Uncertain Significance.